The following is an entry in ClinVar:

NM_001130823.3(DNMT1):c.3013G>A (p.Glu1005Lys)

Gene: DNMT1 (DNA methyltransferase 1; minus strand). Cytogenetic location: 19p13.2.
Variant type: single nucleotide variant.
Coding change: c.3013G>A on transcript NM_001130823.3 (MANE Select); coding-DNA position 3013, G replaced by A.
Protein change: p.Glu1005Lys; replaces glutamic acid 1005 with lysine.
Molecular consequence: missense variant.
Genome position (GRCh38, 1-based): chr19:10,143,869, C>T on the plus strand (G>A on the coding strand, the complement: DNMT1 is on the minus strand). VCF-style: chr19-10143869-C-T. GRCh37 (hg19) VCF-style: chr19-10254545-C-T.
Other names: c.2965G>A, p.Glu989Lys (NM_001318730.2, NM_001379.4); c.2650G>A, p.Glu884Lys (NM_001318731.2); short protein forms E1005K, E989K, E884K.
Identifiers: ClinVar variation 848517 (VCV000848517.12), dbSNP rs747897637, ClinGen allele CA9187880.

ClinVar aggregate classification (germline): Uncertain significance. Review status: criteria provided, multiple submitters, no conflicts (2 of 4 stars). 2 submissions from 2 submitters: Uncertain significance (2). Last evaluated 2025-08-17.

Conditions:
Hereditary sensory neuropathy-deafness-dementia syndrome. Also called: Hereditary sensory neuropathy type IE; NEUROPATHY, HEREDITARY SENSORY, WITH HEARING LOSS AND DEMENTIA; Hereditary Sensory and Autonomic Neuropathy Type 1E (HSAN1E); HSN IE. Identifiers: Orphanet 456318, MedGen C3279885, MONDO:0013584, OMIM 614116.

Allele frequency attached by ClinVar (database versions not stated): gnomAD exomes below 0.00001; TOPMed below 0.00001; ExAC 0.00001.
gnomAD v4.1: 2 of 1,614,130 alleles (0.00012%); highest among the groups gnomAD compares: Non-Finnish European, 0.000085%; no homozygotes.

Submissions (2):

Labcorp Genetics (formerly Invitae), Labcorp
Classification: Uncertain significance for Hereditary sensory neuropathy-deafness-dementia syndrome. Last evaluated: 2025-08-17. Review status: criteria provided, single submitter. Criteria: Invitae Variant Classification Sherloc (09022015). Collection method: clinical testing. Allele origin: germline.
Comment: This sequence change replaces glutamic acid, which is acidic and polar, with lysine, which is basic and polar, at codon 1005 of the DNMT1 protein (p.Glu1005Lys). This variant is present in population databases (rs747897637, gnomAD 0.01%). This variant has not been reported in the literature in individuals affected with DNMT1-related conditions. ClinVar contains an entry for this variant (Variation ID: 848517). Invitae Evidence Modeling of protein sequence and biophysical properties (such as structural, functional, and spatial information, amino acid conservation, physicochemical variation, residue mobility, and thermodynamic stability) indicates that this missense variant is not expected to disrupt DNMT1 protein function with a negative predictive value of 80%. In summary, the available evidence is currently insufficient to determine the role of this variant in disease. Therefore, it has been classified as a Variant of Uncertain Significance.

GeneDx
Classification: Uncertain significance. Last evaluated: 2019-10-28. Review status: criteria provided, single submitter. Criteria: GeneDx Variant Classification Process June 2021. Collection method: clinical testing. Allele origin: germline. Affected: yes.
Comment: In silico analysis, which includes protein predictors and evolutionary conservation, supports a deleterious effect; Has not been previously published as pathogenic or benign to our knowledge